The following is an entry in ClinVar:

NM_000038.6(APC):c.2639T>C (p.Ile880Thr)

Gene: APC (APC regulator of Wnt signaling pathway; plus strand). Cytogenetic location: 5q22.2.
Variant type: single nucleotide variant.
Coding change: c.2639T>C on transcript NM_000038.6 (MANE Select); coding-DNA position 2639, T replaced by C.
Protein change: p.Ile880Thr; replaces isoleucine 880 with threonine.
Molecular consequence: missense variant.
Genome position (GRCh38, 1-based): chr5:112,838,233, T>C. VCF-style: chr5-112838233-T-C. GRCh37 (hg19) VCF-style: chr5-112173930-T-C.
Other names: c.2639T>C, p.Ile880Thr (NM_001127510.3, NM_001354895.2); c.2585T>C, p.Ile862Thr (NM_001127511.3); c.2693T>C, p.Ile898Thr (NM_001354896.2); c.2669T>C, p.Ile890Thr (NM_001354897.2); c.2564T>C, p.Ile855Thr (NM_001354898.2); c.2555T>C, p.Ile852Thr (NM_001354899.2); c.2516T>C, p.Ile839Thr (NM_001354900.2); c.2462T>C, p.Ile821Thr (NM_001354901.2); and 5 more; short protein forms I789T, I821T, I839T, I862T, I720T, I779T, I852T, I855T.
Identifiers: ClinVar variation 860400 (VCV000860400.12), dbSNP rs1400295986, ClinGen allele CA16027103.

ClinVar aggregate classification (germline): Uncertain significance. Review status: criteria provided, multiple submitters, no conflicts (2 of 4 stars). 2 submissions from 2 submitters: Uncertain significance (2). Last evaluated 2022-02-11.

Conditions:
Familial adenomatous polyposis 1 (FAP1). Also called: POLYPOSIS, ADENOMATOUS INTESTINAL; FAMILIAL ADENOMATOUS POLYPOSIS 1, ATTENUATED. Identifiers: MedGen C2713442, MONDO:0021056, OMIM 175100. Disease mechanism: loss of function.

Submissions (2):

GeneDx
Classification: Uncertain significance. Last evaluated: 2022-02-11. Review status: criteria provided, single submitter. Criteria: GeneDx Variant Classification Process June 2021. Collection method: clinical testing. Allele origin: germline. Affected: yes.
Comment: Not observed at significant frequency in large population cohorts (gnomAD); In silico analysis supports that this missense variant does not alter protein structure/function; Has not been previously published as pathogenic or benign to our knowledge

Labcorp Genetics (formerly Invitae), Labcorp
Classification: Uncertain significance for Familial adenomatous polyposis 1. Last evaluated: 2019-01-06. Review status: criteria provided, single submitter. Criteria: Invitae Variant Classification Sherloc (09022015). Collection method: clinical testing. Allele origin: germline.
Comment: This variant is not present in population databases (ExAC no frequency). In summary, the available evidence is currently insufficient to determine the role of this variant in disease. Therefore, it has been classified as a Variant of Uncertain Significance. Algorithms developed to predict the effect of missense changes on protein structure and function (SIFT, PolyPhen-2, Align-GVGD) all suggest that this variant is likely to be tolerated, but these predictions have not been confirmed by published functional studies and their clinical significance is uncertain. This variant has not been reported in the literature in individuals with APC-related conditions. This sequence change replaces isoleucine with threonine at codon 880 of the APC protein (p.Ile880Thr). The isoleucine residue is moderately conserved and there is a moderate physicochemical difference between isoleucine and threonine.